The following is an entry in ClinVar:

NM_007294.4(BRCA1):c.5198A>T (p.Asp1733Val)

Gene: BRCA1 (BRCA1 DNA repair associated; minus strand). Cytogenetic location: 17q21.31.
Variant type: single nucleotide variant.
Coding change: c.5198A>T on transcript NM_007294.4 (MANE Select); coding-DNA position 5198, A replaced by T.
Protein change: p.Asp1733Val; replaces aspartic acid 1733 with valine.
Molecular consequence: missense variant. On other transcripts: non-coding transcript variant (1).
Genome position (GRCh38, 1-based): chr17:43,057,131, T>A on the plus strand (A>T on the coding strand, the complement: BRCA1 is on the minus strand). VCF-style: chr17-43057131-T-A. GRCh37 (hg19) VCF-style: chr17-41209148-T-A.
Other names: c.4985A>T, p.Asp1662Val (NM_001407571.1, NM_001407894.1, NM_001407895.1 and 12 more transcripts); c.5264A>T, p.Asp1755Val (NM_001407581.1, NM_001407582.1); c.5261A>T, p.Asp1754Val (NM_001407583.1, NM_001407585.1, NM_001407587.1 and 1 more transcripts); c.5258A>T, p.Asp1753Val (NM_001407590.1, NM_001407591.1); c.5198A>T, p.Asp1733Val (NM_001407593.1, NM_001407594.1, NM_001407596.1 and 7 more transcripts); c.5195A>T, p.Asp1732Val (NM_001407610.1, NM_001407621.1, NM_001407622.1 and 17 more transcripts); c.5192A>T, p.Asp1731Val (NM_001407627.1, NM_001407628.1, NM_001407629.1 and 14 more transcripts); c.5189A>T, p.Asp1730Val (NM_001407644.1, NM_001407645.1); and 72 more; short protein forms D1733V, D1754V, D629V, D1686V, D1436V, D1579V, D1605V, D1621V.
Identifiers: ClinVar variation 491101 (VCV000491101.22), dbSNP rs80357270, ClinGen allele CA054223.

ClinVar aggregate classification (germline): Conflicting classifications of pathogenicity. Review status: criteria provided, conflicting classifications (1 of 4 stars). 6 submissions from 6 submitters: Uncertain significance (4); Likely benign (2). Last evaluated 2025-01-03.

Conditions:
Hereditary cancer-predisposing syndrome. Also called: Tumor predisposition; Hereditary Cancer Syndrome; Hereditary neoplastic syndrome; Neoplastic Syndromes, Hereditary. Identifiers: Orphanet 140162, MedGen C0027672, MeSH D009386, MONDO:0015356.
Hereditary breast ovarian cancer syndrome. Also called: Breast and ovarian cancer; Hereditary breast and/or ovarian cancer syndrome; BRCA1- and BRCA2-Associated Hereditary Breast and Ovarian Cancer; Hereditary breast and ovarian cancer syndrome; Hereditary breast and ovarian cancer syndrome (HBOC); Hereditary breast and ovarian cancer. Identifiers: Orphanet 145, MedGen C0677776, MeSH D061325, MONDO:0003582. Disease mechanism: loss of function.
Breast-ovarian cancer, familial, susceptibility to, 1 (BROVCA1). Also called: BRCA1 Hereditary Breast and Ovarian Cancer; OVARIAN CANCER, SUSCEPTIBILITY TO. Identifiers: Orphanet 145, MedGen C2676676, MONDO:0011450, OMIM 604370. Disease mechanism: loss of function.

gnomAD v4.1: 51 of 1,613,744 alleles (0.0032%); highest among the groups gnomAD compares: Non-Finnish European, 0.00017%; no homozygotes.

Submissions (7):

Ambry Genetics
Classification: Likely benign for Hereditary cancer-predisposing syndrome. Last evaluated: 2025-01-03. Review status: criteria provided, single submitter. Criteria: Ambry Variant Classification Scheme 2023. Collection method: clinical testing. Allele origin: germline.

Lupski Lab, Baylor-Hopkins CMG, Baylor College of Medicine
Classification: Likely benign for Breast-ovarian cancer, familial, susceptibility to, 1. Last evaluated: 2024-04-12. Review status: criteria provided, single submitter. Criteria: Dawood et al. (medRxiv. 2024). Collection method: curation. Allele origin: germline.
Comment: Each variant was annotated with functional scores from MAVE data which was translated into functional evidence codes. All other evidence codes and combining criteria were adhered to as closely as possible based on the ClinGen VCEP (Variant Curation Expert Panel) gene-specific recommendations. See Supplemental Figure 34 of final paper (Supp Fig. 28 in preprint: doi:10.1101/2024.04.11.24305690) for a table to see which lines of evidence we did not have data for. The ClinGen VCEPs are highly regarded as the gold-standard for gene-specific variant curation and are developed after extensive evaluation of the evidence by clinical and scientific experts for the particular gene to classify genomic variants on a spectrum from pathogenic to benign using the 2015 ACMG/AMP Variant Interpretation Guidelines as a backbone (PMID: 25741868). Reclassification of these VUS variants from gnomAD or All of Us focused only on variants originally prescribed as VUS in ClinVar. To ensure reproducibility, transparency, and increased throughput, all the procedures for annotating variants and assigning evidence codes were codified using Python. All code has been made freely available and is linked in the Code Availability section and all reclassified variants with evidence codes used can be found in Tables S18-19 (preprint: doi:10.1101/2024.04.11.24305690). For the MAVE data, the clinical curation and clinical strength assignment as per the ClinGen recommendations in Brnich et al. (2020) (PMID: 31892348) for or against pathogenicity or benignity of each of these MAVE datasets utilized in this study were previously published in Fayer et al. (2021) (PMID: 34793697).In brief, for BRCA1 variants, if a variant was categorized as FUNC (functional), it was assigned BS3 evidence and no PS3 evidence, whereas if it was categorized as LOF (loss of function), the variant was assigned PS3 evidence and no BS3 evidence. Variants categorized as INT (intermediate) were left unannotated. For the BRCA1 combining criteria, greater than or equal to 1 criteria of strong benign evidence was enough to reclassify the VUS as Likely Benign. This variant GRCh38:17:43057131:T>A was assigned evidence codes ['BS3', 'BS1_Supporting'] and an overall classification of Likely benign

All of Us Research Program, National Institutes of Health
Classification: Uncertain significance for Breast-ovarian cancer, familial, susceptibility to, 1. Last evaluated: 2023-12-18. Review status: criteria provided, single submitter. Criteria: ACMG Guidelines, 2015. Collection method: clinical testing. Allele origin: germline. Inheritance: Autosomal dominant inheritance. Observed: 2 variant alleles, 2 heterozygotes.
Comment: This missense variant replaces aspartic acid with valine at codon 1733 of the BRCA1 protein. Computational prediction suggests that this variant may have deleterious impact on protein structure and function. A functional study has shown that this variant does not impact BRCA1 function in a haploid cell proliferation assay (PMID: 30209399). This variant has been detected in a breast cancer case-control meta-analysis in 7/60466 cases and 3/53461 unaffected individuals (PMID: 33471991; Leiden Open Variation Database DB-ID BRCA1_006161). This variant has been identified in 19/282860 chromosomes in the general population by the Genome Aggregation Database (gnomAD). The available evidence is insufficient to determine the role of this variant in disease conclusively. Therefore, this variant is classified as a Variant of Uncertain Significance.

This study involves interpretation of variants in research participants for the purpose of population health screening. Participant phenotype was not available at the time of variant classification. Additional details can be found in publication PMID: 35346344, PMCID: PMC8962531

Color Diagnostics, LLC DBA Color Health
Classification: Uncertain significance for Hereditary cancer-predisposing syndrome. Last evaluated: 2023-11-16. Review status: criteria provided, single submitter. Criteria: ACMG Guidelines, 2015. Collection method: clinical testing. Allele origin: germline.
Comment: This missense variant replaces aspartic acid with valine at codon 1733 of the BRCA1 protein. Computational prediction suggests that this variant may have deleterious impact on protein structure and function. A functional study has shown that this variant does not impact BRCA1 function in a haploid cell proliferation assay (PMID: 30209399). This variant has been detected in a breast cancer case-control meta-analysis in 7/60466 cases and 3/53461 unaffected individuals (PMID: 33471991; Leiden Open Variation Database DB-ID BRCA1_006161). This variant has been identified in 19/282860 chromosomes in the general population by the Genome Aggregation Database (gnomAD). The available evidence is insufficient to determine the role of this variant in disease conclusively. Therefore, this variant is classified as a Variant of Uncertain Significance.

Labcorp Genetics (formerly Invitae), Labcorp
Classification: Uncertain significance for Hereditary breast ovarian cancer syndrome. Last evaluated: 2021-09-18. Review status: criteria provided, single submitter. Criteria: Invitae Variant Classification Sherloc (09022015). Collection method: clinical testing. Allele origin: germline.
Comment: In summary, the available evidence is currently insufficient to determine the role of this variant in disease. Therefore, it has been classified as a Variant of Uncertain Significance. Experimental studies have shown that this missense change does not substantially affect BRCA1 protein function (PMID: 30209399). Advanced modeling of protein sequence and biophysical properties (such as structural, functional, and spatial information, amino acid conservation, physicochemical variation, residue mobility, and thermodynamic stability) performed at Invitae indicates that this missense variant is not expected to disrupt BRCA1 protein function. ClinVar contains an entry for this variant (Variation ID: 491101). This variant has not been reported in the literature in individuals affected with BRCA1-related conditions. This variant is present in population databases (rs80357270, ExAC 0.03%). This sequence change replaces aspartic acid with valine at codon 1733 of the BRCA1 protein (p.Asp1733Val). The aspartic acid residue is moderately conserved and there is a large physicochemical difference between aspartic acid and valine.

GeneDx
Classification: Uncertain significance. Last evaluated: 2021-03-11. Review status: criteria provided, single submitter. Criteria: GeneDx Variant Classification Process June 2021. Collection method: clinical testing. Allele origin: germline. Affected: yes.
Comment: In silico analysis supports that this missense variant has a deleterious effect on protein structure/function; Published functional studies demonstrate no damaging effect on haploid cell survival (Findlay 2018); This variant is associated with the following publications: (PMID: 30209399)

Brotman Baty Institute, University of Washington
No classification provided (evidence only). Condition: Breast-ovarian cancer, familial 1. Review status: no classification provided. Collection method: in vitro. Allele origin: not applicable. Functional consequence: functionally_normal. Not counted in ClinVar's aggregate classification.
ClinVar note: "not provided" was previously submitted as the classification for the variant. However, the classification appeared to be based only on an observation of functional data so it was converted to no classification on 2025-07-30.

Literature cited by the submitters: PubMed 30209399 (cited by 4 submitters); PubMed 39142283 (cited by Lupski Lab, Baylor-Hopkins CMG, Baylor College of Medicine); PubMed 34793697 (cited by Lupski Lab, Baylor-Hopkins CMG, Baylor College of Medicine); DOI 10.1101/2024.04.11.24305690 (cited by Lupski Lab, Baylor-Hopkins CMG, Baylor College of Medicine); PubMed 33471991 (cited by All of Us Research Program, National Institutes of Health and Color Diagnostics, LLC DBA Color Health).